The following is an entry in ClinVar:

ClinVar aggregate classification (germline): Uncertain significance (0 of 4 stars; one submission).

Conditions:
PCLO-related disorder. Also called: PCLO-related condition.

Submission:

PreventionGenetics, part of Exact Sciences
Classification: Uncertain significance for PCLO-related condition. Last evaluated: 2024-01-23. Review status: no assertion criteria provided. Collection method: clinical testing. Allele origin: germline.
Comment: The PCLO c.1979A>C variant is predicted to result in the amino acid substitution p.Lys660Thr. To our knowledge, this variant has not been reported in the literature or in a large population database, indicating this variant is rare. At this time, the clinical significance of this variant is uncertain due to the absence of conclusive functional and genetic evidence.

NM_033026.6(PCLO):c.1979A>C (p.Lys660Thr)

Gene: PCLO (piccolo presynaptic cytomatrix protein; minus strand). Cytogenetic location: 7q21.11.
Variant type: single nucleotide variant.
Coding change: c.1979A>C on transcript NM_033026.6 (MANE Select); coding-DNA position 1979, A replaced by C.
Protein change: p.Lys660Thr; replaces lysine 660 with threonine.
Molecular consequence: missense variant.
Genome position (GRCh38, 1-based): chr7:83,135,571, T>G on the plus strand (A>C on the coding strand, the complement: PCLO is on the minus strand). VCF-style: chr7-83135571-T-G. GRCh37 (hg19) VCF-style: chr7-82764887-T-G.
Other names: c.1979A>C, p.Lys660Thr (NM_014510.3); short protein forms K660T.
Identifiers: ClinVar variation 3030502 (VCV003030502.2), dbSNP rs747245618, ClinGen allele CA367905537.